The following is an entry in ClinVar:

NM_000526.5(KRT14):c.963C>T (p.Ser321=)

Gene: KRT14 (keratin 14; minus strand). Cytogenetic location: 17q21.2.
Variant type: single nucleotide variant.
Coding change: c.963C>T on transcript NM_000526.5 (MANE Select); coding-DNA position 963, C replaced by T.
Protein change: p.Ser321=; no amino-acid change (serine 321 retained).
Molecular consequence: synonymous variant.
Genome position (GRCh38, 1-based): chr17:41,583,641, G>A on the plus strand (C>T on the coding strand, the complement: KRT14 is on the minus strand). VCF-style: chr17-41583641-G-A. GRCh37 (hg19) VCF-style: chr17-39739893-G-A.
Identifiers: ClinVar variation 3616983 (VCV003616983.9).
Genomic context (GRCh38, chr17:41,583,641, plus strand): 5'-CAGGTTCTGCATGGTGCGCCGGAGCTCCGAGATCTCGCTCTTGCCGCTCTGCACCAGCTC[G>A]CTGTTGGTGGCCACCTCGCGGTTCAGCTCCTCTGTCTGCAAAAAAGAGAATGCCATTCAC-3'
Protein context (NP_000517.3, residues 311-331): EELNREVATN[Ser321=]ELVQSGKSEI

ClinVar aggregate classification (germline): Likely benign. Review status: criteria provided, multiple submitters, no conflicts (2 of 4 stars). 2 submissions from 2 submitters: Likely benign (2). Last evaluated 2025-04-01.

Submissions (2):

CeGaT Center for Human Genetics Tuebingen
Classification: Likely benign. Last evaluated: 2025-04-01. Review status: criteria provided, single submitter. Criteria: CeGaT Center For Human Genetics Tuebingen Variant Classification Criteria Version 2. Collection method: clinical testing. Allele origin: germline. Affected: yes. Observed: 1 variant allele.
Comment: KRT14: BP4, BP7

Labcorp Genetics (formerly Invitae), Labcorp
Classification: Likely benign. Last evaluated: 2025-01-16. Review status: criteria provided, single submitter. Criteria: Invitae Variant Classification Sherloc (09022015). Collection method: clinical testing. Allele origin: germline.